The following is an entry in ClinVar:

NM_007294.4(BRCA1):c.1805del (p.Asn602fs)

Gene: BRCA1 (BRCA1 DNA repair associated; minus strand). Cytogenetic location: 17q21.31.
Variant type: Deletion.
Coding change: c.1805del on transcript NM_007294.4 (MANE Select); coding-DNA position 1805, one base deleted (A; older notation c.1805delA).
Protein change: p.Asn602fs; shifts the reading frame from asparagine 602.
Molecular consequence: frameshift variant. On other transcripts: intron variant (137).
Genome position (GRCh38, 1-based): chr17:43,093,726, T deleted on the plus strand (A on the coding strand, the reverse complement: BRCA1 is on the minus strand); the first of 2 consecutive T bases (chr17:43,093,726-43,093,727); deleting either gives the same sequence. VCF-style (leftmost placement, unchanged base first): chr17-43093725-AT-A. GRCh37 (hg19) VCF-style: chr17-41245742-AT-A.
Other names: 1924delA-ter611; c.1805delA (NM_007294.3); c.1592del, p.Asn531fs (NM_001407571.1, NM_001407853.1, NM_001407894.1 and 9 more transcripts); c.1805del, p.Asn602fs (NM_001407581.1, NM_001407582.1, NM_001407583.1 and 30 more transcripts); c.1802del, p.Asn601fs (NM_001407587.1, NM_001407590.1, NM_001407591.1 and 22 more transcripts); c.1796del, p.Asn599fs (NM_001407646.1, NM_001407647.1); c.1682del, p.Asn561fs (NM_001407648.1, NM_001407664.1, NM_001407665.1 and 19 more transcripts); c.1679del, p.Asn560fs (NM_001407649.1, NM_001407670.1, NM_001407671.1 and 11 more transcripts); and 42 more; short protein forms N602fs, N555fs, N490fs, N513fs, N560fs, N601fs, N475fs, N554fs.
Identifiers: ClinVar variation 54355 (VCV000054355.7), dbSNP rs397508908, ClinGen allele CA001173.

ClinVar aggregate classification (germline): Pathogenic. Review status: reviewed by expert panel (3 of 4 stars). 2 submissions from 2 submitters: Pathogenic (1). 1 of the submissions does not count toward it. Last evaluated 2016-10-18.

Conditions:
Breast-ovarian cancer, familial, susceptibility to, 1 (BROVCA1). Also called: OVARIAN CANCER, SUSCEPTIBILITY TO; BRCA1 Hereditary Breast and Ovarian Cancer. Identifiers: Orphanet 145, MedGen C2676676, MONDO:0011450, OMIM 604370. Disease mechanism: loss of function.

Submissions (2):

Evidence-based Network for the Interpretation of Germline Mutant Alleles (ENIGMA)
Classification: Pathogenic for Breast-ovarian cancer, familial, susceptibility to, 1. Last evaluated: 2016-10-18. Review status: reviewed by expert panel. Criteria: ENIGMA BRCA1/2 Classification Criteria (2015). Collection method: curation. Allele origin: germline.
Comment: Variant allele predicted to encode a truncated non-functional protein.

Consortium of Investigators of Modifiers of BRCA1/2 (CIMBA), c/o University of Cambridge
Classification: Pathogenic for Breast-ovarian cancer, familial, susceptibility to, 1. Last evaluated: 2015-10-02. Review status: criteria provided, single submitter. Criteria: CIMBA Mutation Classification guidelines May 2016. Collection method: clinical testing. Allele origin: germline. Not counted in ClinVar's aggregate classification.